The following is an entry in ClinVar:

ClinVar aggregate classification (germline): Uncertain significance (1 of 4 stars; one submission).

Submission:

Labcorp Genetics (formerly Invitae), Labcorp
Classification: Uncertain significance. Last evaluated: 2024-01-22. Review status: criteria provided, single submitter. Criteria: Invitae Variant Classification Sherloc (09022015). Collection method: clinical testing. Allele origin: germline.
Comment: This sequence change replaces valine, which is neutral and non-polar, with phenylalanine, which is neutral and non-polar, at codon 30 of the PCYT1A protein (p.Val30Phe). This variant is not present in population databases (gnomAD no frequency). This variant has not been reported in the literature in individuals affected with PCYT1A-related conditions. ClinVar contains an entry for this variant (Variation ID: 2117192). Advanced modeling of protein sequence and biophysical properties (such as structural, functional, and spatial information, amino acid conservation, physicochemical variation, residue mobility, and thermodynamic stability) performed at Invitae indicates that this missense variant is not expected to disrupt PCYT1A protein function with a negative predictive value of 95%. In summary, the available evidence is currently insufficient to determine the role of this variant in disease. Therefore, it has been classified as a Variant of Uncertain Significance.

NM_001312673.2(PCYT1A):c.88G>T (p.Val30Phe)

Gene: PCYT1A (phosphate cytidylyltransferase 1A, choline; minus strand). Cytogenetic location: 3q29.
Variant type: single nucleotide variant.
Coding change: c.88G>T on transcript NM_001312673.2 (MANE Select); coding-DNA position 88, G replaced by T.
Protein change: p.Val30Phe; replaces valine 30 with phenylalanine.
Molecular consequence: missense variant.
Genome position (GRCh38, 1-based): chr3:196,270,444, C>A on the plus strand (G>T on the coding strand, the complement: PCYT1A is on the minus strand). VCF-style: chr3-196270444-C-A. GRCh37 (hg19) VCF-style: chr3-195997315-C-A.
Other names: c.88G>T, p.Val30Phe (NM_005017.4); short protein forms V30F.
Identifiers: ClinVar variation 2117192 (VCV002117192.4), dbSNP rs749118491, ClinGen allele CA90807073.
Genomic context (GRCh38, chr3:196,270,444, plus strand): 5'-CCCTCCCCCTGCCAGGTTAATCTCCACTTACCACTGCACAGCGCTGCACTTTGGAAGGAA[C>A]CCCATCTTCTTCTGTTGCCCCGTTGGGTCCGGGCGCCTCTTTTCTCCTCTTCCTTGCATT-3'
Protein context (NP_001299602.1, residues 20-40): GPNGATEEDG[Val30Phe]PSKVQRCAVG